The following is an entry in ClinVar:

NM_015311.3(OBSL1):c.3595C>T (p.Arg1199Trp)

Gene: OBSL1 (obscurin like cytoskeletal adaptor 1; minus strand). Cytogenetic location: 2q35.
Variant type: single nucleotide variant.
Coding change: c.3595C>T on transcript NM_015311.3 (MANE Select); coding-DNA position 3595, C replaced by T.
Protein change: p.Arg1199Trp; replaces arginine 1199 with tryptophan.
Molecular consequence: missense variant.
Genome position (GRCh38, 1-based): chr2:219,558,018, G>A on the plus strand (C>T on the coding strand, the complement: OBSL1 is on the minus strand). VCF-style: chr2-219558018-G-A. GRCh37 (hg19) VCF-style: chr2-220422740-G-A.
Other names: c.3595C>T, p.Arg1199Trp (NM_001173431.2); short protein forms R1199W.
Identifiers: ClinVar variation 779085 (VCV000779085.14), dbSNP rs143517287, ClinGen allele CA2130810.

ClinVar aggregate classification (germline): Likely benign. Review status: criteria provided, multiple submitters, no conflicts (2 of 4 stars). 3 submissions from 3 submitters: Likely benign (2). 1 of the submissions does not count toward it. Last evaluated 2026-01-26.

Conditions:
OBSL1-related disorder. Also called: OBSL1-related condition.

Allele frequency attached by ClinVar (database versions not stated): gnomAD exomes 0.00078; ExAC 0.00096; 1000 Genomes Project 30x 0.00172; 1000 Genomes Project 0.00180; gnomAD 0.00258 and 0.00274; ESP Exome Variant Server 0.00296; TOPMed 0.00317.
gnomAD v4.1: 1,139 of 1,613,010 alleles (0.071%); highest among the groups gnomAD compares: African/African-American, 0.87%; 4 homozygotes.

Submissions (3):

Labcorp Genetics (formerly Invitae), Labcorp
Classification: Likely benign. Last evaluated: 2026-01-26. Review status: criteria provided, single submitter. Criteria: Invitae Variant Classification Sherloc (09022015). Collection method: clinical testing. Allele origin: germline.

Blueprint Genetics
Classification: Likely benign. Last evaluated: 2024-10-14. Review status: criteria provided, single submitter. Criteria: ACMG Guidelines, 2015. Collection method: clinical testing. Allele origin: germline.

PreventionGenetics, part of Exact Sciences
Classification: Benign for OBSL1-related condition. Last evaluated: 2020-02-25. Review status: no assertion criteria provided. Collection method: clinical testing. Allele origin: germline. Not counted in ClinVar's aggregate classification.
Comment: This variant is classified as benign based on ACMG/AMP sequence variant interpretation guidelines (Richards et al. 2015 PMID: 25741868, with internal and published modifications).